The following is an entry in ClinVar:

ClinVar aggregate classification (germline): Uncertain significance. Review status: criteria provided, multiple submitters, no conflicts (2 of 4 stars). 2 submissions from 2 submitters: Uncertain significance (2). Last evaluated 2025-01-13.

Conditions:
MHC class II deficiency. Also called: Bare lymphocyte syndrome 2; BLS, TYPE II. Identifiers: Orphanet 572, MedGen C5447452, MONDO:0008855.

Allele frequency attached by ClinVar (database versions not stated): ExAC 0.00001; gnomAD exomes 0.00001.

Submissions (2):

Labcorp Genetics (formerly Invitae), Labcorp
Classification: Uncertain significance for MHC class II deficiency. Last evaluated: 2025-01-13. Review status: criteria provided, single submitter. Criteria: Invitae Variant Classification Sherloc (09022015). Collection method: clinical testing. Allele origin: germline.
Comment: This sequence change replaces arginine, which is basic and polar, with histidine, which is basic and polar, at codon 302 of the RFX5 protein (p.Arg302His). This variant is present in population databases (rs780878545, gnomAD 0.002%). This variant has not been reported in the literature in individuals affected with RFX5-related conditions. ClinVar contains an entry for this variant (Variation ID: 1511661). An algorithm developed to predict the effect of missense changes on protein structure and function outputs the following: PolyPhen-2: "Benign". The histidine amino acid residue is found in multiple mammalian species, which suggests that this missense change does not adversely affect protein function. In summary, the available evidence is currently insufficient to determine the role of this variant in disease. Therefore, it has been classified as a Variant of Uncertain Significance.

Ambry Genetics
Classification: Uncertain significance. Last evaluated: 2023-12-30. Review status: criteria provided, single submitter. Criteria: Ambry Variant Classification Scheme 2023. Collection method: clinical testing. Allele origin: germline.

NM_001025603.2(RFX5):c.905G>A (p.Arg302His)

Gene: RFX5 (regulatory factor X5; minus strand). Cytogenetic location: 1q21.3.
Variant type: single nucleotide variant.
Coding change: c.905G>A on transcript NM_001025603.2 (MANE Select); coding-DNA position 905, G replaced by A.
Protein change: p.Arg302His; replaces arginine 302 with histidine.
Molecular consequence: missense variant.
Genome position (GRCh38, 1-based): chr1:151,343,132, C>T on the plus strand (G>A on the coding strand, the complement: RFX5 is on the minus strand). VCF-style: chr1-151343132-C-T. GRCh37 (hg19) VCF-style: chr1-151315608-C-T.
Other names: c.905G>A, p.Arg302His (NM_000449.4, NM_001379412.1, NM_001379413.1 and 5 more transcripts); c.785G>A, p.Arg262His (NM_001379419.1, NM_001379420.1); c.905G>A (NM_000449.3); short protein forms R262H, R302H.
Identifiers: ClinVar variation 1511661 (VCV001511661.6), dbSNP rs780878545, ClinGen allele CA1089707.
Genomic context (GRCh38, chr1:151,343,132, plus strand): 5'-ACCTGCAGGTTATTGGCTCCTGGGGCCGAGCTCTCAACTACACTCTTCTTCCGCTCTCCA[C>T]GTGCGAGAGGACCGGCCCCAGTTCGGGCTTCCAGATCCTTAGGAGGCTAAAAAGTAAAGA-3'
Protein context (NP_001020774.1, residues 292-312): EARTGAGPLA[Arg302His]GERKKSVVES